The following is an entry in ClinVar:

ClinVar aggregate classification (germline): Uncertain significance (0 of 4 stars; one submission).

Conditions:
TBK1-related disorder. Also called: TBK1-related condition.

Submission:

PreventionGenetics, part of Exact Sciences
Classification: Uncertain significance for TBK1-related condition. Last evaluated: 2024-08-03. Review status: no assertion criteria provided. Collection method: clinical testing. Allele origin: germline.
Comment: The TBK1 c.1692T>C is a noncoding alteration. This variant is predicted to impact splicing at the splice acceptor site; however, this is based on computational modeling and has not been functionally validated (SpliceAI, Jaganathan et al. 2019. PubMed ID: 30661751). To our knowledge, this variant has not been reported in the literature. This variant is reported in 0.0058% of alleles in individuals of East Asian descent in gnomAD. At this time, the clinical significance of this variant is uncertain due to the absence of conclusive functional and genetic evidence.

NM_013254.4(TBK1):c.1692T>C (p.Tyr564=)

Gene: TBK1 (TANK binding kinase 1; plus strand). Cytogenetic location: 12q14.2.
Variant type: single nucleotide variant.
Coding change: c.1692T>C on transcript NM_013254.4 (MANE Select); coding-DNA position 1692, T replaced by C.
Protein change: p.Tyr564=; no amino-acid change (tyrosine 564 retained).
Molecular consequence: synonymous variant.
Genome position (GRCh38, 1-based): chr12:64,495,747, T>C. VCF-style: chr12-64495747-T-C. GRCh37 (hg19) VCF-style: chr12-64889527-T-C.
Identifiers: ClinVar variation 3344642 (VCV003344642.1).